The following is an entry in ClinVar:

NM_001083116.3(PRF1):c.640A>G (p.Arg214Gly)

Gene: PRF1 (perforin 1; minus strand). Cytogenetic location: 10q22.1.
Variant type: single nucleotide variant.
Coding change: c.640A>G on transcript NM_001083116.3 (MANE Select); coding-DNA position 640, A replaced by G.
Protein change: p.Arg214Gly; replaces arginine 214 with glycine.
Molecular consequence: missense variant.
Genome position (GRCh38, 1-based): chr10:70,599,081, T>C on the plus strand (A>G on the coding strand, the complement: PRF1 is on the minus strand). VCF-style: chr10-70599081-T-C. GRCh37 (hg19) VCF-style: chr10-72358837-T-C.
Other names: c.640A>G, p.Arg214Gly (NM_005041.6); short protein forms R214G.
Identifiers: ClinVar variation 1966115 (VCV001966115.4), dbSNP rs1374161772, ClinGen allele CA376958981.

ClinVar aggregate classification (germline): Uncertain significance. Review status: criteria provided, multiple submitters, no conflicts (2 of 4 stars). 2 submissions from 2 submitters: Uncertain significance (2). Last evaluated 2023-02-14.

Conditions:
Inborn genetic diseases. Identifiers: MedGen C0950123, MeSH D030342.
Familial hemophagocytic lymphohistiocytosis 2 (FHL2). Also called: PRF1-Related Familial Hemophagocytic Lymphohistiocytosis (PRF1-fHLH). Identifiers: Orphanet 540, MedGen C1863727, MONDO:0011337, OMIM 603553.

Allele frequency attached by ClinVar (database versions not stated): TOPMed below 0.00001; gnomAD 0.00002; gnomAD exomes 0.00002.

Submissions (2):

Ambry Genetics
Classification: Uncertain significance for Inborn genetic diseases. Last evaluated: 2023-02-14. Review status: criteria provided, single submitter. Criteria: Ambry Variant Classification Scheme 2023. Collection method: clinical testing. Allele origin: germline.

Labcorp Genetics (formerly Invitae), Labcorp
Classification: Uncertain significance for Familial hemophagocytic lymphohistiocytosis 2. Last evaluated: 2022-06-18. Review status: criteria provided, single submitter. Criteria: Invitae Variant Classification Sherloc (09022015). Collection method: clinical testing. Allele origin: germline.
Comment: This sequence change replaces arginine, which is basic and polar, with glycine, which is neutral and non-polar, at codon 214 of the PRF1 protein (p.Arg214Gly). This variant is present in population databases (no rsID available, gnomAD 0.002%). This variant has not been reported in the literature in individuals affected with PRF1-related conditions. Algorithms developed to predict the effect of missense changes on protein structure and function are either unavailable or do not agree on the potential impact of this missense change (SIFT: "Tolerated"; PolyPhen-2: "Possibly Damaging"; Align-GVGD: "Class C0"). In summary, the available evidence is currently insufficient to determine the role of this variant in disease. Therefore, it has been classified as a Variant of Uncertain Significance.